The following is an entry in ClinVar:

NM_004036.5(ADCY3):c.1752C>T (p.His584=)

Gene: ADCY3 (adenylate cyclase 3; minus strand). Cytogenetic location: 2p23.3.
Variant type: single nucleotide variant.
Coding change: c.1752C>T on transcript NM_004036.5 (MANE Select); coding-DNA position 1752, C replaced by T.
Protein change: p.His584=; no amino-acid change (histidine 584 retained).
Molecular consequence: synonymous variant.
Genome position (GRCh38, 1-based): chr2:24,834,847, G>A on the plus strand (C>T on the coding strand, the complement: ADCY3 is on the minus strand). VCF-style: chr2-24834847-G-A. GRCh37 (hg19) VCF-style: chr2-25057716-G-A.
Other names: c.1752C>T, p.His584= (NM_001320613.2, NM_001377129.1, NM_001377130.1 and 1 more transcripts); c.1818C>T, p.His606= (NM_001377128.1); c.1029C>T, p.His343= (NM_001377131.1).
Identifiers: ClinVar variation 4984682 (VCV004984682.1).

ClinVar aggregate classification (germline): Likely benign (1 of 4 stars; one submission).

Conditions:
ADCY3-related disorder. Also called: ADCY3-related condition.

gnomAD v4.1: 11 of 1,613,928 alleles (0.00068%); highest among the groups gnomAD compares: East Asian, 0.0022%; no homozygotes.

Submission:

PreventionGenetics, part of Exact Sciences
Classification: Likely benign for ADCY3-related condition. Last evaluated: 2025-05-27. Review status: criteria provided, single submitter. Criteria: ACMG Guidelines, 2015. Collection method: clinical testing. Allele origin: germline.
Comment: This variant is classified as likely benign based on ACMG/AMP sequence variant interpretation guidelines (Richards et al. 2015 PMID: 25741868, with internal and published modifications).